The following is an entry in ClinVar:

NM_014363.6(SACS):c.6857A>G (p.Lys2286Arg)

Gene: SACS (sacsin molecular chaperone; minus strand). Cytogenetic location: 13q12.12.
Variant type: single nucleotide variant.
Coding change: c.6857A>G on transcript NM_014363.6 (MANE Select); coding-DNA position 6857, A replaced by G.
Protein change: p.Lys2286Arg; replaces lysine 2286 with arginine.
Molecular consequence: missense variant.
Genome position (GRCh38, 1-based): chr13:23,337,019, T>C on the plus strand (A>G on the coding strand, the complement: SACS is on the minus strand). VCF-style: chr13-23337019-T-C. GRCh37 (hg19) VCF-style: chr13-23911158-T-C.
Other names: c.6857A>G (NM_014363.4); c.6416A>G, p.Lys2139Arg (NM_001278055.2); short protein forms K2139R, K2286R.
Identifiers: ClinVar variation 638859 (VCV000638859.12), dbSNP rs754381972, ClinGen allele CA6911014.

ClinVar aggregate classification (germline): Conflicting classifications of pathogenicity. Review status: criteria provided, conflicting classifications (1 of 4 stars). 4 submissions from 4 submitters: Uncertain significance (2); Likely benign (1). 1 of the submissions does not count toward it. Last evaluated 2025-09-01.

Conditions:
Spastic paraplegia. Identifiers: MedGen C0037772, HP:0001258.
Charlevoix-Saguenay spastic ataxia (SACS). Also called: SPASTIC ATAXIA 6, AUTOSOMAL RECESSIVE; Spastic ataxia of Charlevoix-Saguenay; AUTOSOMAL RECESSIVE SPASTIC ATAXIA OF CHARLEVOIX-SAGUENAY. Identifiers: Orphanet 98, MedGen C1849140, MONDO:0010041, OMIM 270550.
Inborn genetic diseases. Identifiers: MedGen C0950123, MeSH D030342.

Allele frequency attached by ClinVar (database versions not stated): gnomAD 0.00001; gnomAD exomes 0.00001; TOPMed 0.00001; ExAC 0.00002.
gnomAD v4.1: 12 of 1,613,916 alleles (0.00074%); highest among the groups gnomAD compares: Non-Finnish European, 0.00093%; no homozygotes.

Submissions (4):

CeGaT Center for Human Genetics Tuebingen
Classification: Uncertain significance. Last evaluated: 2025-09-01. Review status: criteria provided, single submitter. Criteria: CeGaT Center For Human Genetics Tuebingen Variant Classification Criteria Version 2. Collection method: clinical testing. Allele origin: germline. Affected: yes. Observed: 1 variant allele.
Comment: SACS: PM2

Ambry Genetics
Classification: Likely benign for Inborn genetic diseases. Last evaluated: 2025-04-07. Review status: criteria provided, single submitter. Criteria: Ambry Variant Classification Scheme 2023. Collection method: clinical testing. Allele origin: germline.

Labcorp Genetics (formerly Invitae), Labcorp
Classification: Uncertain significance for Spastic paraplegia. Last evaluated: 2021-08-25. Review status: criteria provided, single submitter. Criteria: Invitae Variant Classification Sherloc (09022015). Collection method: clinical testing. Allele origin: germline.
Comment: This sequence change replaces lysine with arginine at codon 2286 of the SACS protein (p.Lys2286Arg). The lysine residue is moderately conserved and there is a small physicochemical difference between lysine and arginine. This variant is present in population databases (rs754381972, ExAC 0.003%). This variant has not been reported in the literature in individuals affected with SACS-related conditions. Algorithms developed to predict the effect of missense changes on protein structure and function output the following: SIFT: "Tolerated"; PolyPhen-2: "Benign"; Align-GVGD: "Class C0". The arginine amino acid residue is found in multiple mammalian species, which suggests that this missense change does not adversely affect protein function. Algorithms developed to predict the effect of sequence changes on RNA splicing suggest that this variant may create or strengthen a splice site. In summary, the available evidence is currently insufficient to determine the role of this variant in disease. Therefore, it has been classified as a Variant of Uncertain Significance.

Natera, Inc.
Classification: Uncertain significance for Charlevoix-Saguenay type spastic ataxia. Last evaluated: 2020-01-17. Review status: no assertion criteria provided. Collection method: clinical testing. Allele origin: germline. Not counted in ClinVar's aggregate classification.